The following is an entry in ClinVar:

NM_033394.3(TANC1):c.3527A>G (p.Lys1176Arg)

Gene: TANC1 (tetratricopeptide repeat, ankyrin repeat and coiled-coil containing 1; plus strand). Cytogenetic location: 2q24.2.
Variant type: single nucleotide variant.
Coding change: c.3527A>G on transcript NM_033394.3 (MANE Select); coding-DNA position 3527, A replaced by G.
Protein change: p.Lys1176Arg; replaces lysine 1176 with arginine.
Molecular consequence: missense variant.
Genome position (GRCh38, 1-based): chr2:159,219,716, A>G. VCF-style: chr2-159219716-A-G. GRCh37 (hg19) VCF-style: chr2-160076227-A-G.
Other names: NC_000002.11:g.160076227A>G; c.3503A>G, p.Lys1168Arg (NM_001145909.2); c.2924A>G, p.Lys975Arg (NM_001350062.2); c.3158A>G, p.Lys1053Arg (NM_001350063.2); c.3506A>G, p.Lys1169Arg (NM_001350064.2, NM_001350065.2); short protein forms K1053R, K1168R, K1169R, K1176R, K975R.
Identifiers: ClinVar variation 3770623 (VCV003770623.14).

ClinVar aggregate classification (germline): Likely benign (1 of 4 stars; one submission).

Submissions (37):

CeGaT Center for Human Genetics Tuebingen
Classification: Likely benign. Last evaluated: 2025-02-01. Review status: criteria provided, single submitter. Criteria: CeGaT Center For Human Genetics Tuebingen Variant Classification Criteria Version 2. Collection method: clinical testing. Allele origin: germline. Affected: yes. Observed: 1 variant allele.
Comment: TANC1: BS2

Dr. Peter K. Rogan Lab, Western University
No classification provided (evidence only). Condition: Clear cell carcinoma of kidney. Review status: no classification provided. Collection method: in vitro. Allele origin: not applicable. Functional consequence: retained intron. Not counted in ClinVar's aggregate classification.

Dr. Peter K. Rogan Lab, Western University
No classification provided (evidence only). Condition: Lung cancer. Review status: no classification provided. Collection method: in vitro. Allele origin: not applicable. Functional consequence: retained intron. Not counted in ClinVar's aggregate classification.

Dr. Peter K. Rogan Lab, Western University
No classification provided (evidence only). Condition: Melanoma. Review status: no classification provided. Collection method: in vitro. Allele origin: not applicable. Functional consequence: retained intron. Not counted in ClinVar's aggregate classification.

Dr. Peter K. Rogan Lab, Western University
No classification provided (evidence only). Condition: Melanoma. Review status: no classification provided. Collection method: in vitro. Allele origin: not applicable. Functional consequence: retained intron. Not counted in ClinVar's aggregate classification.

Dr. Peter K. Rogan Lab, Western University
No classification provided (evidence only). Condition: Melanoma. Review status: no classification provided. Collection method: in vitro. Allele origin: not applicable. Functional consequence: retained intron. Not counted in ClinVar's aggregate classification.

Dr. Peter K. Rogan Lab, Western University
No classification provided (evidence only). Condition: Melanoma. Review status: no classification provided. Collection method: in vitro. Allele origin: not applicable. Functional consequence: retained intron. Not counted in ClinVar's aggregate classification.

Dr. Peter K. Rogan Lab, Western University
No classification provided (evidence only). Condition: Familial cancer of breast. Review status: no classification provided. Collection method: in vitro. Allele origin: not applicable. Functional consequence: retained intron. Not counted in ClinVar's aggregate classification.

Dr. Peter K. Rogan Lab, Western University
No classification provided (evidence only). Condition: Familial cancer of breast. Review status: no classification provided. Collection method: in vitro. Allele origin: not applicable. Functional consequence: retained intron. Not counted in ClinVar's aggregate classification.

Dr. Peter K. Rogan Lab, Western University
No classification provided (evidence only). Condition: Familial cancer of breast. Review status: no classification provided. Collection method: in vitro. Allele origin: not applicable. Functional consequence: skipped exon, retained intron. Not counted in ClinVar's aggregate classification.

Dr. Peter K. Rogan Lab, Western University
No classification provided (evidence only). Condition: Familial cancer of breast. Review status: no classification provided. Collection method: in vitro. Allele origin: not applicable. Functional consequence: retained intron. Not counted in ClinVar's aggregate classification.

Dr. Peter K. Rogan Lab, Western University
No classification provided (evidence only). Condition: Familial cancer of breast. Review status: no classification provided. Collection method: in vitro. Allele origin: not applicable. Functional consequence: retained intron. Not counted in ClinVar's aggregate classification.

Dr. Peter K. Rogan Lab, Western University
No classification provided (evidence only). Condition: Familial cancer of breast. Review status: no classification provided. Collection method: in vitro. Allele origin: not applicable. Functional consequence: retained intron. Not counted in ClinVar's aggregate classification.

Dr. Peter K. Rogan Lab, Western University
No classification provided (evidence only). Condition: Acute myeloid leukemia. Review status: no classification provided. Collection method: in vitro. Allele origin: not applicable. Functional consequence: retained intron. Not counted in ClinVar's aggregate classification.

Dr. Peter K. Rogan Lab, Western University
No classification provided (evidence only). Condition: Colon adenocarcinoma. Review status: no classification provided. Collection method: in vitro. Allele origin: not applicable. Functional consequence: retained intron. Not counted in ClinVar's aggregate classification.

Dr. Peter K. Rogan Lab, Western University
No classification provided (evidence only). Condition: Thyroid cancer, nonmedullary, 1. Review status: no classification provided. Collection method: in vitro. Allele origin: not applicable. Functional consequence: retained intron. Not counted in ClinVar's aggregate classification.

Dr. Peter K. Rogan Lab, Western University
No classification provided (evidence only). Condition: Thyroid cancer, nonmedullary, 1. Review status: no classification provided. Collection method: in vitro. Allele origin: not applicable. Functional consequence: retained intron. Not counted in ClinVar's aggregate classification.

Dr. Peter K. Rogan Lab, Western University
No classification provided (evidence only). Condition: Thyroid cancer, nonmedullary, 1. Review status: no classification provided. Collection method: in vitro. Allele origin: not applicable. Functional consequence: retained intron. Not counted in ClinVar's aggregate classification.

Dr. Peter K. Rogan Lab, Western University
No classification provided (evidence only). Condition: Thyroid cancer, nonmedullary, 1. Review status: no classification provided. Collection method: in vitro. Allele origin: not applicable. Functional consequence: retained intron. Not counted in ClinVar's aggregate classification.

Dr. Peter K. Rogan Lab, Western University
No classification provided (evidence only). Condition: Thyroid cancer, nonmedullary, 1. Review status: no classification provided. Collection method: in vitro. Allele origin: not applicable. Functional consequence: retained intron. Not counted in ClinVar's aggregate classification.

Dr. Peter K. Rogan Lab, Western University
No classification provided (evidence only). Condition: Cervical cancer. Review status: no classification provided. Collection method: in vitro. Allele origin: not applicable. Functional consequence: retained intron. Not counted in ClinVar's aggregate classification.

Dr. Peter K. Rogan Lab, Western University
No classification provided (evidence only). Condition: Cervical cancer. Review status: no classification provided. Collection method: in vitro. Allele origin: not applicable. Functional consequence: retained intron. Not counted in ClinVar's aggregate classification.

Dr. Peter K. Rogan Lab, Western University
No classification provided (evidence only). Condition: Sarcoma. Review status: no classification provided. Collection method: in vitro. Allele origin: not applicable. Functional consequence: retained intron. Not counted in ClinVar's aggregate classification.

Dr. Peter K. Rogan Lab, Western University
No classification provided (evidence only). Condition: Hepatocellular carcinoma. Review status: no classification provided. Collection method: in vitro. Allele origin: not applicable. Functional consequence: retained intron. Not counted in ClinVar's aggregate classification.

Dr. Peter K. Rogan Lab, Western University
No classification provided (evidence only). Condition: Nonpapillary renal cell carcinoma. Review status: no classification provided. Collection method: in vitro. Allele origin: not applicable. Functional consequence: retained intron. Not counted in ClinVar's aggregate classification.

Dr. Peter K. Rogan Lab, Western University
No classification provided (evidence only). Condition: Ovarian serous cystadenocarcinoma. Review status: no classification provided. Collection method: in vitro. Allele origin: not applicable. Functional consequence: retained intron. Not counted in ClinVar's aggregate classification.

Dr. Peter K. Rogan Lab, Western University
No classification provided (evidence only). Condition: Gastric cancer. Review status: no classification provided. Collection method: in vitro. Allele origin: not applicable. Functional consequence: retained intron. Not counted in ClinVar's aggregate classification.

Dr. Peter K. Rogan Lab, Western University
No classification provided (evidence only). Condition: Gastric cancer. Review status: no classification provided. Collection method: in vitro. Allele origin: not applicable. Functional consequence: retained intron. Not counted in ClinVar's aggregate classification.

Dr. Peter K. Rogan Lab, Western University
No classification provided (evidence only). Condition: Gastric cancer. Review status: no classification provided. Collection method: in vitro. Allele origin: not applicable. Functional consequence: retained intron. Not counted in ClinVar's aggregate classification.

Dr. Peter K. Rogan Lab, Western University
No classification provided (evidence only). Condition: Gastric cancer. Review status: no classification provided. Collection method: in vitro. Allele origin: not applicable. Functional consequence: retained intron. Not counted in ClinVar's aggregate classification.

Dr. Peter K. Rogan Lab, Western University
No classification provided (evidence only). Condition: Gastric cancer. Review status: no classification provided. Collection method: in vitro. Allele origin: not applicable. Functional consequence: retained intron. Not counted in ClinVar's aggregate classification.

Dr. Peter K. Rogan Lab, Western University
No classification provided (evidence only). Condition: Adrenocortical carcinoma, hereditary. Review status: no classification provided. Collection method: in vitro. Allele origin: not applicable. Functional consequence: retained intron. Not counted in ClinVar's aggregate classification.

Dr. Peter K. Rogan Lab, Western University
No classification provided (evidence only). Condition: Uterine carcinosarcoma. Review status: no classification provided. Collection method: in vitro. Allele origin: not applicable. Functional consequence: retained intron. Not counted in ClinVar's aggregate classification.

Dr. Peter K. Rogan Lab, Western University
No classification provided (evidence only). Condition: Uterine carcinosarcoma. Review status: no classification provided. Collection method: in vitro. Allele origin: not applicable. Functional consequence: retained intron. Not counted in ClinVar's aggregate classification.

Dr. Peter K. Rogan Lab, Western University
No classification provided (evidence only). Condition: Uveal melanoma. Review status: no classification provided. Collection method: in vitro. Allele origin: not applicable. Functional consequence: retained intron. Not counted in ClinVar's aggregate classification.

Dr. Peter K. Rogan Lab, Western University
No classification provided (evidence only). Condition: Malignant tumor of esophagus. Review status: no classification provided. Collection method: in vitro. Allele origin: not applicable. Functional consequence: retained intron. Not counted in ClinVar's aggregate classification.

Dr. Peter K. Rogan Lab, Western University
No classification provided (evidence only). Condition: Malignant tumor of esophagus. Review status: no classification provided. Collection method: in vitro. Allele origin: not applicable. Functional consequence: retained intron. Not counted in ClinVar's aggregate classification.